The following is an entry in ClinVar:

ClinVar aggregate classification (germline): Uncertain significance (1 of 4 stars; one submission).

Allele frequency attached by ClinVar (database versions not stated): gnomAD exomes 0.00007; ESP Exome Variant Server 0.00008; ExAC 0.00010; gnomAD 0.00025 and 0.00026; TOPMed 0.00030; 1000 Genomes Project 0.00060; 1000 Genomes Project 30x 0.00062.
gnomAD v4.1: 96 of 1,612,834 alleles (0.006%); highest among the groups gnomAD compares: African/African-American, 0.075%; no homozygotes.

Submission:

Labcorp Genetics (formerly Invitae), Labcorp
Classification: Uncertain significance. Last evaluated: 2022-08-16. Review status: criteria provided, single submitter. Criteria: Invitae Variant Classification Sherloc (09022015). Collection method: clinical testing. Allele origin: germline.
Comment: In summary, the available evidence is currently insufficient to determine the role of this variant in disease. Therefore, it has been classified as a Variant of Uncertain Significance. Experimental studies and prediction algorithms are not available or were not evaluated, and the functional significance of this variant is currently unknown. ClinVar contains an entry for this variant (Variation ID: 1468697). This variant has not been reported in the literature in individuals affected with HTT-related conditions. This variant is present in population databases (rs376136833, gnomAD 0.05%). This sequence change replaces valine, which is neutral and non-polar, with methionine, which is neutral and non-polar, at codon 2911 of the HTT protein (p.Val2911Met).

NM_001388492.1(HTT):c.8725G>A (p.Val2909Met)

Gene: HTT (huntingtin; plus strand). Cytogenetic location: 4p16.3.
Variant type: single nucleotide variant.
Coding change: c.8725G>A on transcript NM_001388492.1 (MANE Select); coding-DNA position 8725, G replaced by A.
Protein change: p.Val2909Met; replaces valine 2909 with methionine.
Molecular consequence: missense variant.
Genome position (GRCh38, 1-based): chr4:3,235,718, G>A. VCF-style: chr4-3235718-G-A. GRCh37 (hg19) VCF-style: chr4-3237445-G-A.
Other names: c.8731G>A, p.Val2911Met (NM_002111.8); short protein forms V2909M, V2911M.
Identifiers: ClinVar variation 1468697 (VCV001468697.8), dbSNP rs376136833, ClinGen allele CA2825776.
Genomic context (GRCh38, chr4:3,235,718, plus strand): 5'-GAGCAGCTCTCCCGCCTGGATGCAGAATCGCTGGTCAAGCTGAGTGTGGACAGAGTGAAC[G>A]TGCACAGCCCGCACCGGGCCATGGCGGCTCTGGGCCTGATGCTCACCTGCATGTACACAG-3'
Protein context (NP_001375421.1, residues 2899-2919): LVKLSVDRVN[Val2909Met]HSPHRAMAAL